The following is an entry in ClinVar:

ClinVar aggregate classification (germline): Benign. Review status: criteria provided, multiple submitters, no conflicts (2 of 4 stars). 6 submissions from 6 submitters: Benign (6). Last evaluated 2026-02-02.

Conditions:
Inborn genetic diseases. Identifiers: MedGen C0950123, MeSH D030342.
DYRK1A-related intellectual disability syndrome (MRD7). Also called: Intellectual developmental disorder, autosomal dominant 7; DYRK1A Syndrome. Identifiers: Orphanet 464306, MedGen C5568143, MONDO:0013578, OMIM 614104.

Allele frequency attached by ClinVar (database versions not stated): ESP Exome Variant Server 0.00477; gnomAD 0.00499 and 0.00524; gnomAD exomes 0.00572 and 0.00752; 1000 Genomes Project 0.00659; ExAC 0.00686; 1000 Genomes Project 30x 0.00734; TOPMed 0.00763.
gnomAD v4.1: 9,262 of 1,614,226 alleles (0.57%); highest among the groups gnomAD compares: Middle Eastern, 2.8%; 59 homozygotes.

Submissions (6):

Labcorp Genetics (formerly Invitae), Labcorp
Classification: Benign for DYRK1A-related intellectual disability syndrome. Last evaluated: 2026-02-02. Review status: criteria provided, single submitter. Criteria: Invitae Variant Classification Sherloc (09022015). Collection method: clinical testing. Allele origin: germline.

Athena Diagnostics
Classification: Benign. Last evaluated: 2024-09-23. Review status: criteria provided, single submitter. Criteria: Athena Diagnostics Criteria. Collection method: clinical testing. Allele origin: unknown.

Mayo Clinic Laboratories, Mayo Clinic
Classification: Benign. Last evaluated: 2018-12-13. Review status: criteria provided, single submitter. Criteria: ACMG Guidelines, 2015. Collection method: clinical testing. Allele origin: germline. Observed: 26 variant alleles.

Ambry Genetics
Classification: Benign for Inborn genetic diseases. Last evaluated: 2016-04-08. Review status: criteria provided, single submitter. Criteria: Ambry Variant Classification Scheme 2023. Collection method: clinical testing. Allele origin: germline.

GeneDx
Classification: Benign. Last evaluated: 2016-02-23. Review status: criteria provided, single submitter. Criteria: GeneDx Variant Classification (06012015). Collection method: clinical testing. Allele origin: germline. Affected: yes.
Comment: This variant is considered likely benign or benign based on one or more of the following criteria: it is a conservative change, it occurs at a poorly conserved position in the protein, it is predicted to be benign by multiple in silico algorithms, and/or has population frequency not consistent with disease.

Breakthrough Genomics
Classification: Benign. Review status: criteria provided, single submitter. Criteria: ACMG Guidelines, 2015. Collection method: not provided. Allele origin: germline. Inheritance: Autosomal dominant inheritance. Affected: yes.

Literature cited by the submitters: PubMed 23099646 (cited by Athena Diagnostics).

NM_001347721.2(DYRK1A):c.1389T>C (p.Tyr463=)

Gene: DYRK1A (dual specificity tyrosine phosphorylation regulated kinase 1A; plus strand). Cytogenetic location: 21q22.13.
Variant type: single nucleotide variant.
Coding change: c.1389T>C on transcript NM_001347721.2 (MANE Select); coding-DNA position 1389, T replaced by C.
Protein change: p.Tyr463=; no amino-acid change (tyrosine 463 retained).
Molecular consequence: synonymous variant.
Genome position (GRCh38, 1-based): chr21:37,505,459, T>C. VCF-style: chr21-37505459-T-C. GRCh37 (hg19) VCF-style: chr21-38877762-T-C.
Other names: p.Tyr472=; c.1389T>C, p.Tyr463= (NM_001347722.2, NM_130436.2); c.1302T>C, p.Tyr434= (NM_001347723.2); c.1416T>C, p.Tyr472= (NM_001396.5, NM_101395.2, NM_130438.2); c.1416T>C (NM_001396.4).
Identifiers: ClinVar variation 382869 (VCV000382869.19), dbSNP rs55854596, ClinGen allele CA10023975.